The following is an entry in ClinVar:

ClinVar aggregate classification (germline): Uncertain significance. Review status: criteria provided, multiple submitters, no conflicts (2 of 4 stars). 2 submissions from 2 submitters: Uncertain significance (2). Last evaluated 2021-06-02.

Allele frequency attached by ClinVar (database versions not stated): gnomAD exomes below 0.00001.
gnomAD v4.1: 1 of 1,601,812 alleles (0.000062%); highest among the groups gnomAD compares: Non-Finnish European, 0.000085%; no homozygotes.

Submissions (2):

Blueprint Genetics
Classification: Uncertain significance. Last evaluated: 2021-06-02. Review status: criteria provided, single submitter. Criteria: ACMG Guidelines, 2015. Collection method: clinical testing. Allele origin: germline.

Labcorp Genetics (formerly Invitae), Labcorp
Classification: Uncertain significance. Last evaluated: 2020-02-02. Review status: criteria provided, single submitter. Criteria: Invitae Variant Classification Sherloc (09022015). Collection method: clinical testing. Allele origin: germline.
Comment: This variant has not been reported in the literature in individuals with KCNV2-related conditions. Algorithms developed to predict the effect of missense changes on protein structure and function output the following: SIFT: "Tolerated"; PolyPhen-2: "Benign"; Align-GVGD: "Class C0". The valine amino acid residue is found in multiple mammalian species, suggesting that this missense change does not adversely affect protein function. These predictions have not been confirmed by published functional studies and their clinical significance is uncertain. In summary, the available evidence is currently insufficient to determine the role of this variant in disease. Therefore, it has been classified as a Variant of Uncertain Significance. This sequence change replaces alanine with valine at codon 127 of the KCNV2 protein (p.Ala127Val). The alanine residue is moderately conserved and there is a small physicochemical difference between alanine and valine. This variant is not present in population databases (ExAC no frequency).

NM_133497.4(KCNV2):c.380C>T (p.Ala127Val)

Gene: KCNV2 (potassium voltage-gated channel modifier subfamily V member 2; plus strand). Cytogenetic location: 9p24.2.
Variant type: single nucleotide variant.
Coding change: c.380C>T on transcript NM_133497.4 (MANE Select); coding-DNA position 380, C replaced by T.
Protein change: p.Ala127Val; replaces alanine 127 with valine.
Molecular consequence: missense variant.
Genome position (GRCh38, 1-based): chr9:2,718,119, C>T. VCF-style: chr9-2718119-C-T. GRCh37 (hg19) VCF-style: chr9-2718119-C-T.
Other names: short protein forms A127V.
Identifiers: ClinVar variation 1020955 (VCV001020955.10), dbSNP rs1225416665, ClinGen allele CA372796754.